The following is an entry in ClinVar:

NM_004168.4(SDHA):c.1520G>A (p.Arg507Lys)

Gene: SDHA (succinate dehydrogenase complex flavoprotein subunit A; plus strand). Cytogenetic location: 5p15.33.
Variant type: single nucleotide variant.
Coding change: c.1520G>A on transcript NM_004168.4 (MANE Select); coding-DNA position 1520, G replaced by A.
Protein change: p.Arg507Lys; replaces arginine 507 with lysine.
Molecular consequence: missense variant.
Genome position (GRCh38, 1-based): chr5:240,445, G>A. VCF-style: chr5-240445-G-A. GRCh37 (hg19) VCF-style: chr5-240560-G-A.
Other names: c.1376G>A, p.Arg459Lys (NM_001294332.2); c.1520G>A, p.Arg507Lys (NM_001330758.2); short protein forms R459K, R507K.
Identifiers: ClinVar variation 1720735 (VCV001720735.6), dbSNP rs2477398338, ClinGen allele CA359014347.

ClinVar aggregate classification (germline): Uncertain significance (1 of 4 stars; one submission).

Conditions:
Mitochondrial complex II deficiency, nuclear type 1. Also called: SUCCINATE CoQ REDUCTASE DEFICIENCY. Identifiers: Orphanet 3208, MedGen C5700310, MONDO:0100294, OMIM 252011.
Pheochromocytoma/paraganglioma syndrome 5. Also called: Paragangliomas 5; SDHA-Related Hereditary Paraganglioma-Pheochromocytoma Syndrome. Identifiers: Orphanet 29072, MedGen C3279992, MONDO:0013602, OMIM 614165.

Submission:

Labcorp Genetics (formerly Invitae), Labcorp
Classification: Uncertain significance for Pheochromocytoma/paraganglioma syndrome 5; Mitochondrial complex II deficiency, nuclear type 1. Last evaluated: 2022-09-30. Review status: criteria provided, single submitter. Criteria: Invitae Variant Classification Sherloc (09022015). Collection method: clinical testing. Allele origin: germline.
Comment: In summary, the available evidence is currently insufficient to determine the role of this variant in disease. Therefore, it has been classified as a Variant of Uncertain Significance. Advanced modeling of protein sequence and biophysical properties (such as structural, functional, and spatial information, amino acid conservation, physicochemical variation, residue mobility, and thermodynamic stability) performed at Invitae indicates that this missense variant is not expected to disrupt SDHA protein function. This variant has not been reported in the literature in individuals affected with SDHA-related conditions. This variant is not present in population databases (gnomAD no frequency). This sequence change replaces arginine, which is basic and polar, with lysine, which is basic and polar, at codon 507 of the SDHA protein (p.Arg507Lys).